The following is an entry in ClinVar:

NM_006915.3(RP2):c.482del (p.Asp161fs)

Gene: RP2 (RP2 activator of ARL3 GTPase; plus strand). Cytogenetic location: Xp11.3.
Variant type: Deletion.
Coding change: c.482del on transcript NM_006915.3 (MANE Select); coding-DNA position 482, one base deleted (A; older notation c.482delA).
Protein change: p.Asp161fs; shifts the reading frame from aspartic acid 161.
Molecular consequence: frameshift variant.
Genome position (GRCh38, 1-based): chrX:46,853,855, A deleted. VCF-style (leftmost placement, unchanged base first): chrX-46853854-GA-G. GRCh37 (hg19) VCF-style: chrX-46713289-GA-G.
Other names: short protein forms D161fs.
Identifiers: ClinVar variation 953391 (VCV000953391.7), dbSNP rs1924906653, ClinGen allele CA1139667498.
Genomic context (GRCh38, chrX:46,853,854, plus strand): 5'-TCAAATATCAAATTTGGATGTTTTCAATGGTACTATCCTGAATTAGCTTTCCAGTTCAAA[GA>G]TGCAGGGCTAAGTATCTTCAACAATACATGGAGTAACATTCATGACTTTACACCTGTGTC-3'

ClinVar aggregate classification (germline): Pathogenic (1 of 4 stars; one submission).

Submission:

Labcorp Genetics (formerly Invitae), Labcorp
Classification: Pathogenic. Last evaluated: 2019-09-12. Review status: criteria provided, single submitter. Criteria: Invitae Variant Classification Sherloc (09022015). Collection method: clinical testing. Allele origin: germline.
Comment: This variant has not been reported in the literature in individuals with RP2-related conditions. Loss-of-function variants in RP2 are known to be pathogenic (PMID: 11992260, 20625056). This variant is not present in population databases (ExAC no frequency). This sequence change creates a premature translational stop signal (p.Asp161Valfs*4) in the RP2 gene. It is expected to result in an absent or disrupted protein product. For these reasons, this variant has been classified as Pathogenic.

Literature cited by the submitters: PubMed 11992260; PubMed 20625056.